The following is an entry in ClinVar:

NM_000369.5(TSHR):c.692+118G>A

Genes: TSHR (thyroid stimulating hormone receptor; plus strand), TSHR-AS1 (TSHR antisense RNA 1; minus strand). Cytogenetic location: 14q31.1.
Variant type: single nucleotide variant.
Coding change: c.692+118G>A on transcript NM_000369.5 (MANE Select); 118 bases into the intron after coding-DNA position 692, G replaced by A.
Molecular consequence: intron variant. On other transcripts: synonymous variant (1).
Genome position (GRCh38, 1-based): chr14:81,108,570, G>A. VCF-style: chr14-81108570-G-A. GRCh37 (hg19) VCF-style: chr14-81574914-G-A.
Other names: NC_000014.8:g.81574914G>A; c.714G>A, p.Ser238= (NM_001142626.3); c.693-42G>A (NM_001018036.3).
Identifiers: ClinVar variation 2644430 (VCV002644430.25), dbSNP rs182437826, ClinGen allele CA7294269.

ClinVar aggregate classification (germline): Likely benign (1 of 4 stars; one submission).

Allele frequency attached by ClinVar (database versions not stated): 1000 Genomes Project 0.00120; ESP Exome Variant Server 0.00123; ExAC 0.00133; 1000 Genomes Project 30x 0.00141.
gnomAD v4.1: 2,221 of 1,610,512 alleles (0.14%); highest among the groups gnomAD compares: Admixed American, 0.4%; 3 homozygotes.

Submissions (3):

CeGaT Center for Human Genetics Tuebingen
Classification: Likely benign. Last evaluated: 2026-01-01. Review status: criteria provided, single submitter. Criteria: CeGaT Center For Human Genetics Tuebingen Variant Classification Criteria Version 2. Collection method: clinical testing. Allele origin: germline. Affected: yes. Observed: 2 variant alleles.
Comment: TSHR: BP4, BP7

Dr. Peter K. Rogan Lab, Western University
No classification provided (evidence only). Condition: Lung cancer. Review status: no classification provided. Collection method: in vitro. Allele origin: not applicable. Functional consequence: retained intron. Not counted in ClinVar's aggregate classification.

Dr. Peter K. Rogan Lab, Western University
No classification provided (evidence only). Condition: Uterine corpus endometrial carcinoma. Review status: no classification provided. Collection method: in vitro. Allele origin: not applicable. Functional consequence: retained intron. Not counted in ClinVar's aggregate classification.